The following is an entry in ClinVar:

ClinVar aggregate classification (germline): Uncertain significance (1 of 4 stars; one submission).

Conditions:
Myopathy, proximal, and ophthalmoplegia (CMYO6). Also called: MYOPATHY WITH CONGENITAL JOINT CONTRACTURES, OPHTHALMOPLEGIA, AND RIMMED VACUOLES; INCLUSION BODY MYOPATHY 3, AUTOSOMAL DOMINANT; CONGENITAL MYOPATHY 6 WITH OPHTHALMOPLEGIA. Identifiers: Orphanet 363677, Orphanet 79091, MedGen C1854106, MONDO:0011577, OMIM 605637.

Submission:

Labcorp Genetics (formerly Invitae), Labcorp
Classification: Uncertain significance for Myopathy, proximal, and ophthalmoplegia. Last evaluated: 2024-09-08. Review status: criteria provided, single submitter. Criteria: Invitae Variant Classification Sherloc (09022015). Collection method: clinical testing. Allele origin: germline.
Comment: This sequence change replaces glutamic acid, which is acidic and polar, with lysine, which is basic and polar, at codon 933 of the MYH2 protein (p.Glu933Lys). This variant is not present in population databases (gnomAD no frequency). This variant has not been reported in the literature in individuals affected with MYH2-related conditions. Invitae Evidence Modeling of protein sequence and biophysical properties (such as structural, functional, and spatial information, amino acid conservation, physicochemical variation, residue mobility, and thermodynamic stability) indicates that this missense variant is expected to disrupt MYH2 protein function with a positive predictive value of 80%. In summary, the available evidence is currently insufficient to determine the role of this variant in disease. Therefore, it has been classified as a Variant of Uncertain Significance.

NM_017534.6(MYH2):c.2797G>A (p.Glu933Lys)

Genes: MYH2 (myosin heavy chain 2; minus strand), MYHAS (myosin heavy chain gene cluster antisense RNA; plus strand). Cytogenetic location: 17p13.1.
Variant type: single nucleotide variant.
Coding change: c.2797G>A on transcript NM_017534.6 (MANE Select); coding-DNA position 2797, G replaced by A.
Protein change: p.Glu933Lys; replaces glutamic acid 933 with lysine.
Molecular consequence: missense variant.
Genome position (GRCh38, 1-based): chr17:10,529,975, C>T on the plus strand (G>A on the coding strand, the complement: MYH2 is on the minus strand). VCF-style: chr17-10529975-C-T. GRCh37 (hg19) VCF-style: chr17-10433292-C-T.
Other names: c.2797G>A, p.Glu933Lys (NM_001100112.2); short protein forms E933K.
Identifiers: ClinVar variation 3666439 (VCV003666439.2).